The following is an entry in ClinVar:

NC_000007.14:g.(?_5986749)_(5997433_?)del

Gene: PMS2 (PMS1 homolog 2, mismatch repair system component; minus strand). Cytogenetic location: 7p22.1.
Variant type: Deletion.
Identifiers: ClinVar variation 584094 (VCV000584094.3).

ClinVar aggregate classification (germline): Pathogenic (1 of 4 stars; one submission).

Conditions:
Hereditary nonpolyposis colorectal neoplasms. Identifiers: MedGen C0009405, MeSH D003123.

Submission:

Labcorp Genetics (formerly Invitae), Labcorp
Classification: Pathogenic for Hereditary nonpolyposis colon cancer. Last evaluated: 2019-12-02. Review status: criteria provided, single submitter. Criteria: Invitae Variant Classification Sherloc (09022015). Collection method: clinical testing. Allele origin: germline.
Comment: This variant is an in-frame deletion of the genomic region encompassing exons 7-14 of the PMS2 gene. It preserves the integrity of the reading frame. A similar deletion of exons 7-14 has been observed in individual(s) with constitutional mismatch repair deficiency (CMMRD) (PMID: 23582141). In at least one individual the data is consistent with the variant being in trans (on the opposite chromosome) from a pathogenic variant. Several missense substitutions in exons 7-14 (p.Lys301Asn, p.Ile668Val and p.Glu705Lys) have been determined to be pathogenic (PMID: 18602922, 26110232, 25856668, 27435373, 25691505, 24027009, 20176959, 26318770, 27601186). This suggests that this residue is clinically significant, and that variants that disrupt this residue are likely to be disease-causing. For these reasons, this variant has been classified as Pathogenic.

Literature cited by the submitters: PubMed 27435373; PubMed 26318770; PubMed 26110232; PubMed 23582141; PubMed 18602922; PubMed 25691505; PubMed 27601186; PubMed 24027009; PubMed 25856668; PubMed 20176959.